The following is an entry in ClinVar:

ClinVar aggregate classification (germline): Pathogenic (1 of 4 stars; one submission).

Conditions:
Congenital adrenal hyperplasia. Identifiers: Orphanet 418, MedGen C0001627, MONDO:0018479, HP:0008258.

Submission:

Women's Health and Genetics/Laboratory Corporation of America, LabCorp
Classification: Pathogenic for Congenital adrenal hyperplasia. Last evaluated: 2023-08-25. Review status: criteria provided, single submitter. Criteria: LabCorp Variant Classification Summary - May 2015. Collection method: clinical testing. Allele origin: germline.
Comment: Variant summary: CYP11B1 c.199delG (p.Glu67LysfsX9) results in a premature termination codon, predicted to cause absence of the protein due to nonsense mediated decay, which is a commonly known mechanism for disease. The variant allele was found at a frequency of 4e-06 in 251384 control chromosomes (gnomAD). c.199delG has been reported in the literature in individuals affected with steroid 11 beta-hydroxylase deficiency who were compound heterozygous with another (likely) pathogenic variant (Dumic_2014). These data indicate that the variant is likely to be associated with disease. The following publication has been ascertained in the context of this evaluation (PMID: 24987415). No submitters have cited clinical-significance assessments for this variant to ClinVar after 2014. Based on the evidence outlined above, the variant was classified as pathogenic.

Literature cited by the submitters: PubMed 24987415.

NM_000497.4(CYP11B1):c.199del (p.Glu67fs)

Gene: CYP11B1 (cytochrome P450 family 11 subfamily B member 1; minus strand). Cytogenetic location: 8q24.3.
Variant type: Deletion.
Coding change: c.199del on transcript NM_000497.4 (MANE Select); coding-DNA position 199, one base deleted (G; older notation c.199delG).
Protein change: p.Glu67fs; shifts the reading frame from glutamic acid 67.
Molecular consequence: frameshift variant.
Genome position (GRCh38, 1-based): chr8:142,879,615, C deleted on the plus strand (G on the coding strand, the reverse complement: CYP11B1 is on the minus strand); the first of 2 consecutive C bases (chr8:142,879,615-142,879,616); deleting either gives the same sequence. VCF-style (leftmost placement, unchanged base first): chr8-142879614-TC-T. GRCh37 (hg19) VCF-style: chr8-143961030-TC-T.
Other names: c.199del, p.Glu67fs (NM_001026213.1); short protein forms E67fs.
Identifiers: ClinVar variation 2581368 (VCV002581368.1), dbSNP rs780398462, ClinGen allele CA4905685.